The following is an entry in ClinVar:

ClinVar aggregate classification (germline): Pathogenic (1 of 4 stars; one submission).

Conditions:
RYR1-related disorder. Also called: RYR1-related condition; RYR1-related disorders. Identifiers: MedGen CN239331.

Submission:

Labcorp Genetics (formerly Invitae), Labcorp
Classification: Pathogenic for RYR1-related disorder. Last evaluated: 2023-03-14. Review status: criteria provided, single submitter. Criteria: Invitae Variant Classification Sherloc (09022015). Collection method: clinical testing. Allele origin: germline.
Comment: For these reasons, this variant has been classified as Pathogenic. This variant has not been reported in the literature in individuals affected with RYR1-related conditions. This variant is not present in population databases (gnomAD no frequency). This sequence change creates a premature translational stop signal (p.Arg3366Alafs*59) in the RYR1 gene. It is expected to result in an absent or disrupted protein product. Loss-of-function variants in RYR1 are known to be pathogenic (PMID: 23919265, 25960145, 28818389, 30611313).

Literature cited by the submitters: PubMed 23919265; PubMed 25960145; PubMed 28818389; PubMed 30611313.

NM_000540.3(RYR1):c.10096del (p.Arg3366fs)

Gene: RYR1 (ryanodine receptor 1; plus strand). Cytogenetic location: 19q13.2.
Variant type: Deletion.
Coding change: c.10096del on transcript NM_000540.3 (MANE Select); coding-DNA position 10096, one base deleted (C; older notation c.10096delC).
Protein change: p.Arg3366fs; shifts the reading frame from arginine 3366.
Molecular consequence: frameshift variant.
Genome position (GRCh38, 1-based): chr19:38,519,291, C deleted. VCF-style (leftmost placement, unchanged base first): chr19-38519290-GC-G. GRCh37 (hg19) VCF-style: chr19-39009930-GC-G.
Other names: c.10096del, p.Arg3366fs (NM_001042723.2); short protein forms R3366fs.
Identifiers: ClinVar variation 2845663 (VCV002845663.3), dbSNP rs2514443324, ClinGen allele CA2739276749.